The following is an entry in ClinVar:

NM_001278716.2(FBXL4):c.1403A>G (p.Asp468Gly)

Gene: FBXL4 (F-box and leucine rich repeat protein 4; minus strand). Cytogenetic location: 6q16.1.
Variant type: single nucleotide variant.
Coding change: c.1403A>G on transcript NM_001278716.2 (MANE Select); coding-DNA position 1403, A replaced by G.
Protein change: p.Asp468Gly; replaces aspartic acid 468 with glycine.
Molecular consequence: missense variant. On other transcripts: non-coding transcript variant (1).
Genome position (GRCh38, 1-based): chr6:98,875,714, T>C on the plus strand (A>G on the coding strand, the complement: FBXL4 is on the minus strand). VCF-style: chr6-98875714-T-C. GRCh37 (hg19) VCF-style: chr6-99323590-T-C.
Other names: c.1403A>G, p.Asp468Gly (NM_012160.5); short protein forms D468G.
Identifiers: ClinVar variation 2015088 (VCV002015088.4), dbSNP rs2534899595, ClinGen allele CA365088040.

ClinVar aggregate classification (germline): Uncertain significance (1 of 4 stars; one submission).

Submission:

Labcorp Genetics (formerly Invitae), Labcorp
Classification: Uncertain significance. Last evaluated: 2022-07-08. Review status: criteria provided, single submitter. Criteria: Invitae Variant Classification Sherloc (09022015). Collection method: clinical testing. Allele origin: germline.
Comment: Advanced modeling of protein sequence and biophysical properties (such as structural, functional, and spatial information, amino acid conservation, physicochemical variation, residue mobility, and thermodynamic stability) performed at Invitae indicates that this missense variant is expected to disrupt FBXL4 protein function. In summary, the available evidence is currently insufficient to determine the role of this variant in disease. Therefore, it has been classified as a Variant of Uncertain Significance. This sequence change replaces aspartic acid, which is acidic and polar, with glycine, which is neutral and non-polar, at codon 468 of the FBXL4 protein (p.Asp468Gly). This variant has not been reported in the literature in individuals affected with FBXL4-related conditions. This variant is not present in population databases (gnomAD no frequency).